The following is an entry in ClinVar:

ClinVar aggregate classification (germline): Uncertain significance. Review status: criteria provided, multiple submitters, no conflicts (2 of 4 stars). 2 submissions from 2 submitters: Uncertain significance (2). Last evaluated 2023-09-12.

Conditions:
Inborn genetic diseases. Identifiers: MedGen C0950123, MeSH D030342.

Allele frequency attached by ClinVar (database versions not stated): gnomAD exomes below 0.00001.
gnomAD v4.1: 5 of 1,575,942 alleles (0.00032%); highest among the groups gnomAD compares: Middle Eastern, 0.05%; no homozygotes.

Submissions (2):

Ambry Genetics
Classification: Uncertain significance for Inborn genetic diseases. Last evaluated: 2023-09-12. Review status: criteria provided, single submitter. Criteria: Ambry Variant Classification Scheme 2023. Collection method: clinical testing. Allele origin: germline.

Labcorp Genetics (formerly Invitae), Labcorp
Classification: Uncertain significance. Last evaluated: 2022-03-11. Review status: criteria provided, single submitter. Criteria: Invitae Variant Classification Sherloc (09022015). Collection method: clinical testing. Allele origin: germline.
Comment: This sequence change replaces isoleucine, which is neutral and non-polar, with valine, which is neutral and non-polar, at codon 45 of the ALDH3A2 protein (p.Ile45Val). The frequency data for this variant in the population databases is considered unreliable, as metrics indicate poor data quality at this position in the gnomAD database. This variant has not been reported in the literature in individuals affected with ALDH3A2-related conditions. Advanced modeling of protein sequence and biophysical properties (such as structural, functional, and spatial information, amino acid conservation, physicochemical variation, residue mobility, and thermodynamic stability) performed at Invitae indicates that this missense variant is not expected to disrupt ALDH3A2 protein function. In summary, the available evidence is currently insufficient to determine the role of this variant in disease. Therefore, it has been classified as a Variant of Uncertain Significance.

NM_000382.3(ALDH3A2):c.133A>G (p.Ile45Val)

Gene: ALDH3A2 (aldehyde dehydrogenase 3 family member A2; plus strand). Cytogenetic location: 17p11.2.
Variant type: single nucleotide variant.
Coding change: c.133A>G on transcript NM_000382.3 (MANE Select); coding-DNA position 133, A replaced by G.
Protein change: p.Ile45Val; replaces isoleucine 45 with valine.
Molecular consequence: missense variant. On other transcripts: 5 prime UTR variant (1).
Genome position (GRCh38, 1-based): chr17:19,649,104, A>G. VCF-style: chr17-19649104-A-G. GRCh37 (hg19) VCF-style: chr17-19552417-A-G.
Other names: c.133A>G, p.Ile45Val (NM_001031806.2, NM_001369136.1, NM_001369137.2 and 3 more transcripts); c.-556A>G (NM_001369148.2); c.133A>G (NM_000382.2); short protein forms I45V.
Identifiers: ClinVar variation 2046585 (VCV002046585.3), dbSNP rs1284346835, ClinGen allele CA398700928.